The following is an entry in ClinVar:

ClinVar aggregate classification (germline): Uncertain significance (1 of 4 stars; one submission).

Conditions:
Bethlem myopathy 1A. Also called: Bethlem myopathy 1; MYOPATHY, BENIGN CONGENITAL, WITH CONTRACTURES; Bethlem Muscular Dystrophy. Identifiers: Orphanet 610, MedGen CN029274, MONDO:0024530, OMIM 158810.

Allele frequency attached by ClinVar (database versions not stated): ExAC 0.00001.
gnomAD v4.1: 2 of 1,614,040 alleles (0.00012%); highest among the groups gnomAD compares: Non-Finnish European, 0.00017%; no homozygotes.

Submission:

Labcorp Genetics (formerly Invitae), Labcorp
Classification: Uncertain significance for Bethlem myopathy 1A. Last evaluated: 2022-08-27. Review status: criteria provided, single submitter. Criteria: Invitae Variant Classification Sherloc (09022015). Collection method: clinical testing. Allele origin: germline.
Comment: In summary, the available evidence is currently insufficient to determine the role of this variant in disease. Therefore, it has been classified as a Variant of Uncertain Significance. Advanced modeling of protein sequence and biophysical properties (such as structural, functional, and spatial information, amino acid conservation, physicochemical variation, residue mobility, and thermodynamic stability) performed at Invitae indicates that this missense variant is not expected to disrupt COL6A3 protein function. This variant has not been reported in the literature in individuals affected with COL6A3-related conditions. This variant is present in population databases (rs762287373, gnomAD 0.0009%). This sequence change replaces proline, which is neutral and non-polar, with leucine, which is neutral and non-polar, at codon 2178 of the COL6A3 protein (p.Pro2178Leu).

NM_004369.4(COL6A3):c.6533C>T (p.Pro2178Leu)

Gene: COL6A3 (collagen type VI alpha 3 chain; minus strand). Cytogenetic location: 2q37.3.
Variant type: single nucleotide variant.
Coding change: c.6533C>T on transcript NM_004369.4 (MANE Select); coding-DNA position 6533, C replaced by T.
Protein change: p.Pro2178Leu; replaces proline 2178 with leucine.
Molecular consequence: missense variant.
Genome position (GRCh38, 1-based): chr2:237,357,821, G>A on the plus strand (C>T on the coding strand, the complement: COL6A3 is on the minus strand). VCF-style: chr2-237357821-G-A. GRCh37 (hg19) VCF-style: chr2-238266464-G-A.
Other names: c.4712C>T, p.Pro1571Leu (NM_057166.5); c.5915C>T, p.Pro1972Leu (NM_057167.4); short protein forms P2178L, P1571L, P1972L.
Identifiers: ClinVar variation 1910360 (VCV001910360.5), dbSNP rs762287373, ClinGen allele CA2188241.